The following is an entry in ClinVar:

NM_000489.6(ATRX):c.6208A>G (p.Ile2070Val)

Gene: ATRX (ATRX chromatin remodeler; minus strand). Cytogenetic location: Xq21.1.
Variant type: single nucleotide variant.
Coding change: c.6208A>G on transcript NM_000489.6 (MANE Select); coding-DNA position 6208, A replaced by G.
Protein change: p.Ile2070Val; replaces isoleucine 2070 with valine.
Molecular consequence: missense variant.
Genome position (GRCh38, 1-based): chrX:77,589,843, T>C on the plus strand (A>G on the coding strand, the complement: ATRX is on the minus strand). VCF-style: chrX-77589843-T-C. GRCh37 (hg19) VCF-style: chrX-76845313-T-C.
Other names: c.6094A>G, p.Ile2032Val (NM_138270.5); c.6208A>G (NM_000489.3); short protein forms I2032V, I2070V.
Identifiers: ClinVar variation 3617451 (VCV003617451.3).

ClinVar aggregate classification (germline): Uncertain significance. Review status: criteria provided, multiple submitters, no conflicts (2 of 4 stars). 2 submissions from 2 submitters: Uncertain significance (2). Last evaluated 2024-12-04.

Conditions:
Alpha thalassemia-X-linked intellectual disability syndrome (ATRX). Also called: ALPHA-THALASSEMIA/MENTAL RETARDATION SYNDROME, X-LINKED; ATR, NONDELETION TYPE; ATR-X syndrome; Alpha thalassemia mental retardation syndrome, nondeletion type, X-linked; XLMR hypotonic face syndrome; X-linked alpha-thalassemia-mental retardation syndrome. Identifiers: Orphanet 847, MedGen C1845055, MONDO:0010519, OMIM 301040.

Submissions (2):

Labcorp Genetics (formerly Invitae), Labcorp
Classification: Uncertain significance for Alpha thalassemia-X-linked intellectual disability syndrome. Last evaluated: 2024-12-04. Review status: criteria provided, single submitter. Criteria: Invitae Variant Classification Sherloc (09022015). Collection method: clinical testing. Allele origin: germline.
Comment: This sequence change replaces isoleucine, which is neutral and non-polar, with valine, which is neutral and non-polar, at codon 2070 of the ATRX protein (p.Ile2070Val). This variant is not present in population databases (gnomAD no frequency). This variant has not been reported in the literature in individuals affected with ATRX-related conditions. Invitae Evidence Modeling of protein sequence and biophysical properties (such as structural, functional, and spatial information, amino acid conservation, physicochemical variation, residue mobility, and thermodynamic stability) indicates that this missense variant is not expected to disrupt ATRX protein function with a negative predictive value of 95%. In summary, the available evidence is currently insufficient to determine the role of this variant in disease. Therefore, it has been classified as a Variant of Uncertain Significance.

GeneDx
Classification: Uncertain significance. Last evaluated: 2024-09-11. Review status: criteria provided, single submitter. Criteria: GeneDx Variant Classification Process June 2021. Collection method: clinical testing. Allele origin: germline. Affected: yes.
Comment: Not observed at significant frequency in large population cohorts (gnomAD); In silico analysis indicates that this missense variant does not alter protein structure/function; Has not been previously published as pathogenic or benign to our knowledge